The following is an entry in ClinVar:

ClinVar aggregate classification (germline): Uncertain significance. Review status: criteria provided, multiple submitters, no conflicts (2 of 4 stars). 2 submissions from 2 submitters: Uncertain significance (2). Last evaluated 2025-03-18.

Allele frequency attached by ClinVar (database versions not stated): 1000 Genomes Project 0.00020; gnomAD 0.00002; gnomAD exomes 0.00002; 1000 Genomes Project 30x 0.00016; ExAC 0.00002.

Submissions (2):

Labcorp Genetics (formerly Invitae), Labcorp
Classification: Uncertain significance. Last evaluated: 2025-03-18. Review status: criteria provided, single submitter. Criteria: Invitae Variant Classification Sherloc (09022015). Collection method: clinical testing. Allele origin: germline.
Comment: This sequence change replaces isoleucine, which is neutral and non-polar, with valine, which is neutral and non-polar, at codon 29 of the SPPL2A protein (p.Ile29Val). This variant is present in population databases (rs539112496, gnomAD 0.006%). This variant has not been reported in the literature in individuals affected with SPPL2A-related conditions. ClinVar contains an entry for this variant (Variation ID: 2241290). An algorithm developed to predict the effect of missense changes on protein structure and function (PolyPhen-2) suggests that this variant is likely to be tolerated. In summary, the available evidence is currently insufficient to determine the role of this variant in disease. Therefore, it has been classified as a Variant of Uncertain Significance.

Ambry Genetics
Classification: Uncertain significance. Last evaluated: 2022-11-21. Review status: criteria provided, single submitter. Criteria: Ambry Variant Classification Scheme 2023. Collection method: clinical testing. Allele origin: germline.

NM_032802.4(SPPL2A):c.85A>G (p.Ile29Val)

Gene: SPPL2A (signal peptide peptidase like 2A; minus strand). Cytogenetic location: 15q21.2.
Variant type: single nucleotide variant.
Coding change: c.85A>G on transcript NM_032802.4 (MANE Select); coding-DNA position 85, A replaced by G.
Protein change: p.Ile29Val; replaces isoleucine 29 with valine.
Molecular consequence: missense variant.
Genome position (GRCh38, 1-based): chr15:50,749,728, T>C on the plus strand (A>G on the coding strand, the complement: SPPL2A is on the minus strand). VCF-style: chr15-50749728-T-C. GRCh37 (hg19) VCF-style: chr15-51041925-T-C.
Other names: short protein forms I29V.
Identifiers: ClinVar variation 2241290 (VCV002241290.5), dbSNP rs539112496, ClinGen allele CA7558579.